The following is an entry in ClinVar:

NM_004836.7(EIF2AK3):c.1650+6A>C

Gene: EIF2AK3 (eukaryotic translation initiation factor 2 alpha kinase 3; minus strand). Cytogenetic location: 2p11.2.
Variant type: single nucleotide variant.
Coding change: c.1650+6A>C on transcript NM_004836.7 (MANE Select); 6 bases into the intron after coding-DNA position 1650, A replaced by C.
Molecular consequence: intron variant.
Genome position (GRCh38, 1-based): chr2:88,585,835, T>G on the plus strand (A>C on the coding strand, the complement: EIF2AK3 is on the minus strand). VCF-style: chr2-88585835-T-G. GRCh37 (hg19) VCF-style: chr2-88885353-T-G.
Other names: c.1197+6A>C (NM_001313915.2).
Identifiers: ClinVar variation 1492557 (VCV001492557.4), dbSNP rs2104429229, ClinGen allele CA2573135926.

ClinVar aggregate classification (germline): Uncertain significance (1 of 4 stars; one submission).

Allele frequency attached by ClinVar (database versions not stated): gnomAD exomes below 0.00001.
gnomAD v4.1: 3 of 1,612,736 alleles (0.00019%); highest among the groups gnomAD compares: African/African-American, 0.0013%; no homozygotes.

Submission:

Labcorp Genetics (formerly Invitae), Labcorp
Classification: Uncertain significance. Last evaluated: 2023-12-11. Review status: criteria provided, single submitter. Criteria: Invitae Variant Classification Sherloc (09022015). Collection method: clinical testing. Allele origin: germline.
Comment: This sequence change falls in intron 9 of the EIF2AK3 gene. It does not directly change the encoded amino acid sequence of the EIF2AK3 protein. It affects a nucleotide within the consensus splice site. This variant is not present in population databases (gnomAD no frequency). This variant has not been reported in the literature in individuals affected with EIF2AK3-related conditions. ClinVar contains an entry for this variant (Variation ID: 1492557). Variants that disrupt the consensus splice site are a relatively common cause of aberrant splicing (PMID: 17576681, 9536098). Algorithms developed to predict the effect of sequence changes on RNA splicing suggest that this variant is not likely to affect RNA splicing. In summary, the available evidence is currently insufficient to determine the role of this variant in disease. Therefore, it has been classified as a Variant of Uncertain Significance.

Literature cited by the submitters: PubMed 17576681; PubMed 9536098.